The following is an entry in ClinVar:

NM_013382.7(POMT2):c.937G>A (p.Gly313Ser)

Gene: POMT2 (protein O-mannosyltransferase 2; minus strand). Cytogenetic location: 14q24.3.
Variant type: single nucleotide variant.
Coding change: c.937G>A on transcript NM_013382.7 (MANE Select); coding-DNA position 937, G replaced by A.
Protein change: p.Gly313Ser; replaces glycine 313 with serine.
Molecular consequence: missense variant.
Genome position (GRCh38, 1-based): chr14:77,298,758, C>T on the plus strand (G>A on the coding strand, the complement: POMT2 is on the minus strand). VCF-style: chr14-77298758-C-T. GRCh37 (hg19) VCF-style: chr14-77765101-C-T.
Other names: short protein forms G313S.
Identifiers: ClinVar variation 2195163 (VCV002195163.1), dbSNP rs772836124, ClinGen allele CA7286034.
Genomic context (GRCh38, chr14:77,298,758, plus strand): 5'-TGGAAGCATTGTGCAGGTTGTTCCCTGAAAGCCGGGCCTGGAAGGCAGAACTGAAGAAAC[C>T]GTCACCAGGGCCACTGTGGGGAGAGGAAGAGCAGAAGAGAGTCAAGTTAAAGGAGTGAAA-3'
Protein context (NP_037514.2, residues 303-323): MVLSKSGPGD[Gly313Ser]FFSSAFQARL

ClinVar aggregate classification (germline): Uncertain significance (1 of 4 stars; one submission).

Conditions:
Muscular dystrophy-dystroglycanopathy (congenital with impaired intellectual development), type B, 2. Also called: Muscular dystrophy-dystroglycanopathy (congenital with intellectual disability), type B2; MUSCULAR DYSTROPHY, CONGENITAL, POMT2-RELATED. Identifiers: MedGen C3150416, MONDO:0013160, OMIM 613156.
Autosomal recessive limb-girdle muscular dystrophy type 2N. Also called: MUSCULAR DYSTROPHY-DYSTROGLYCANOPATHY, LIMB-GIRDLE, POMT2-RELATED; Muscular dystrophy-dystroglycanopathy (limb-girdle), type C, 2. Identifiers: Orphanet 206559, MedGen C3150418, MONDO:0013162, OMIM 613158.
Muscular dystrophy-dystroglycanopathy (congenital with brain and eye anomalies), type A2. Also called: MUSCULAR DYSTROPHY-DYSTROGLYCANOPATHY (CONGENITAL WITH BRAIN AND EYE ANOMALIES), TYPE A, 2; WALKER-WARBURG SYNDROME OR MUSCLE-EYE-BRAIN DISEASE, POMT2-RELATED. Identifiers: Orphanet 588, Orphanet 899, MedGen C3150411, MONDO:0013154, OMIM 613150.

Allele frequency attached by ClinVar (database versions not stated): TOPMed below 0.00001; ExAC 0.00002.

Submission:

Labcorp Genetics (formerly Invitae), Labcorp
Classification: Uncertain significance for Muscular dystrophy-dystroglycanopathy (congenital with impaired intellectual development), type B, 2; Muscular dystrophy-dystroglycanopathy (congenital with brain and eye anomalies), type A2; Autosomal recessive limb-girdle muscular dystrophy type 2N. Last evaluated: 2022-02-03. Review status: criteria provided, single submitter. Criteria: Invitae Variant Classification Sherloc (09022015). Collection method: clinical testing. Allele origin: germline.
Comment: This sequence change replaces glycine, which is neutral and non-polar, with serine, which is neutral and polar, at codon 313 of the POMT2 protein (p.Gly313Ser). This variant is present in population databases (rs772836124, gnomAD 0.01%). This variant has not been reported in the literature in individuals affected with POMT2-related conditions. Algorithms developed to predict the effect of missense changes on protein structure and function (SIFT, PolyPhen-2, Align-GVGD) all suggest that this variant is likely to be tolerated. Algorithms developed to predict the effect of sequence changes on RNA splicing suggest that this variant may create or strengthen a splice site. In summary, the available evidence is currently insufficient to determine the role of this variant in disease. Therefore, it has been classified as a Variant of Uncertain Significance.